The following is an entry in ClinVar:

ClinVar aggregate classification (germline): Conflicting classifications of pathogenicity. Review status: criteria provided, conflicting classifications (1 of 4 stars). 3 submissions from 3 submitters: Uncertain significance (2); Likely benign (1). Last evaluated 2026-09-03.

Conditions:
KDM4B-related disorder. Also called: KDM4B-related condition.
Intellectual developmental disorder, autosomal dominant 65. Also called: MENTAL RETARDATION, AUTOSOMAL DOMINANT 65. Identifiers: MedGen C5543371, MONDO:0023657, OMIM 619320.
Inborn genetic diseases. Identifiers: MedGen C0950123, MeSH D030342.

Allele frequency attached by ClinVar (database versions not stated): gnomAD 0.00022; TOPMed 0.00030; 1000 Genomes Project 30x 0.00047; 1000 Genomes Project 0.00060.
gnomAD v4.1: 179 of 1,575,388 alleles (0.011%); highest among the groups gnomAD compares: African/African-American, 0.063%; no homozygotes.

Submissions (3):

PreventionGenetics, part of Exact Sciences
Classification: Likely benign for KDM4B-related condition. Last evaluated: 2026-09-03. Review status: criteria provided, single submitter. Criteria: ACMG Guidelines, 2015. Collection method: clinical testing. Allele origin: germline.
Comment: This variant is classified as likely benign based on ACMG/AMP sequence variant interpretation guidelines (Richards et al. 2015 PMID: 25741868, with internal and published modifications).

Ambry Genetics
Classification: Uncertain significance for Inborn genetic diseases. Last evaluated: 2025-06-16. Review status: criteria provided, single submitter. Criteria: Ambry Variant Classification Scheme 2023. Collection method: clinical testing. Allele origin: germline.

Pittsburgh Clinical Genomics Laboratory, University of Pittsburgh Medical Center
Classification: Uncertain significance for Intellectual developmental disorder, autosomal dominant 65. Last evaluated: 2023-06-08. Review status: criteria provided, single submitter. Criteria: ACMG Guidelines, 2015. Collection method: clinical testing. Allele origin: germline. Inheritance: Autosomal dominant inheritance. Affected: yes.
Comment: This sequence variant is a single nucleotide substitution (C>T) at position 3197 of the coding sequence of the KDM4B gene that results in a proline to leucine amino acid change at residue 1066 of the lysine demethylase 4B protein. This variant is absent from ClinVar and has not been observed in the literature in individuals with KDM4B-related disorders, to our knowledge. This variant is present in 29 of 212694 alleles (0.0136%) in the gnomAD population dataset. Multiple bioinformatic tools predict that this proline to leucine amino acid change would be neutral, and the Pro1066 residue at this position is not well conserved across the mammalian species examined. Studies examining the functiol consequence of this variant have not been performed, to our knowledge. At this time, there is insufficient evidence to determine if this variant is pathogenic or benign. Therefore, we consider this to be a variant of uncertain significance. ACMG Criteria: BP4

NM_015015.3(KDM4B):c.3197C>T (p.Pro1066Leu)

Gene: KDM4B (lysine demethylase 4B; plus strand). Cytogenetic location: 19p13.3.
Variant type: single nucleotide variant.
Coding change: c.3197C>T on transcript NM_015015.3 (MANE Select); coding-DNA position 3197, C replaced by T.
Protein change: p.Pro1066Leu; replaces proline 1066 with leucine.
Molecular consequence: missense variant.
Genome position (GRCh38, 1-based): chr19:5,151,417, C>T. VCF-style: chr19-5151417-C-T. GRCh37 (hg19) VCF-style: chr19-5151428-C-T.
Other names: c.3299C>T, p.Pro1100Leu (NM_001411148.1); short protein forms P1066L, P1100L.
Identifiers: ClinVar variation 2531340 (VCV002531340.5), dbSNP rs561909152, ClinGen allele CA9108519.